The following is an entry in ClinVar:

ClinVar aggregate classification (germline): Uncertain significance (1 of 4 stars; one submission).

Submission:

Labcorp Genetics (formerly Invitae), Labcorp
Classification: Uncertain significance. Last evaluated: 2025-11-24. Review status: criteria provided, single submitter. Criteria: Invitae Variant Classification Sherloc (09022015). Collection method: clinical testing. Allele origin: germline.
Comment: This sequence change replaces lysine, which is basic and polar, with glutamic acid, which is acidic and polar, at codon 265 of the MAP3K8 protein (p.Lys265Glu). This variant is not present in population databases (gnomAD no frequency). This variant has not been reported in the literature in individuals affected with MAP3K8-related conditions. An algorithm developed to predict the effect of missense changes on protein structure and function (PolyPhen-2) suggests that this variant is likely to be disruptive. Algorithms developed to predict the effect of sequence changes on RNA splicing suggest that this variant may disrupt the consensus splice site. In summary, the available evidence is currently insufficient to determine the role of this variant in disease. Therefore, it has been classified as a Variant of Uncertain Significance.

NM_005204.4(MAP3K8):c.793A>G (p.Lys265Glu)

Gene: MAP3K8 (mitogen-activated protein kinase kinase kinase 8; plus strand). Cytogenetic location: 10p11.23.
Variant type: single nucleotide variant.
Coding change: c.793A>G on transcript NM_005204.4 (MANE Select); coding-DNA position 793, A replaced by G.
Protein change: p.Lys265Glu; replaces lysine 265 with glutamic acid.
Molecular consequence: missense variant.
Genome position (GRCh38, 1-based): chr10:30,451,664, A>G. VCF-style: chr10-30451664-A-G. GRCh37 (hg19) VCF-style: chr10-30740593-A-G.
Other names: c.793A>G, p.Lys265Glu (NM_001244134.1, NM_001320961.2); short protein forms K265E.
Identifiers: ClinVar variation 4731440 (VCV004731440.1).